The following is an entry in ClinVar:

ClinVar aggregate classification (germline): Uncertain significance (1 of 4 stars; one submission).

Submission:

CeGaT Center for Human Genetics Tuebingen
Classification: Uncertain significance. Last evaluated: 2025-08-01. Review status: criteria provided, single submitter. Criteria: CeGaT Center For Human Genetics Tuebingen Variant Classification Criteria Version 2. Collection method: clinical testing. Allele origin: germline. Affected: yes. Observed: 1 variant allele.
Comment: FIGLA: PM2

NM_001004311.3(FIGLA):c.430T>G (p.Ser144Ala)

Gene: FIGLA (folliculogenesis specific bHLH transcription factor; minus strand). Cytogenetic location: 2p13.3.
Variant type: single nucleotide variant.
Coding change: c.430T>G on transcript NM_001004311.3 (MANE Select); coding-DNA position 430, T replaced by G.
Protein change: p.Ser144Ala; replaces serine 144 with alanine.
Molecular consequence: missense variant.
Genome position (GRCh38, 1-based): chr2:70,785,594, A>C on the plus strand (T>G on the coding strand, the complement: FIGLA is on the minus strand). VCF-style: chr2-70785594-A-C. GRCh37 (hg19) VCF-style: chr2-71012726-A-C.
Other names: short protein forms S144A.
Identifiers: ClinVar variation 4085813 (VCV004085813.8).